The following is an entry in ClinVar:

NM_000463.3(UGT1A1):c.1548A>T (p.Lys516Asn)

Genes: UGT1A4 (UDP glucuronosyltransferase family 1 member A4; plus strand), UGT1A5 (UDP glucuronosyltransferase family 1 member A5; plus strand), UGT1A9 (UDP glucuronosyltransferase family 1 member A9; plus strand), UGT1A8 (UDP glucuronosyltransferase family 1 member A8; plus strand), UGT1A6 (UDP glucuronosyltransferase family 1 member A6; plus strand) and 5 more. Cytogenetic location: 2q37.1.
Variant type: single nucleotide variant.
Coding change: c.1548A>T on transcript NM_000463.3 (MANE Select); coding-DNA position 1548, A replaced by T.
Protein change: p.Lys516Asn; replaces lysine 516 with asparagine.
Molecular consequence: missense variant.
Genome position (GRCh38, 1-based): chr2:233,772,505, A>T. VCF-style: chr2-233772505-A-T. GRCh37 (hg19) VCF-style: chr2-234681151-A-T.
Other names: c.1539A>T, p.Lys513Asn (NM_019075.4, NM_019076.5, NM_019077.3 and 1 more transcripts); c.1545A>T, p.Lys515Asn (NM_001072.4); c.744A>T, p.Lys248Asn (NM_205862.3); c.1551A>T, p.Lys517Asn (NM_019078.2, NM_007120.3, NM_019093.4); short protein forms K515N, K516N, K248N, K513N, K517N.
Identifiers: ClinVar variation 898625 (VCV000898625.8), dbSNP rs772037816, ClinGen allele CA2180157.

ClinVar aggregate classification (germline): Uncertain significance. Review status: criteria provided, multiple submitters, no conflicts (2 of 4 stars). 4 submissions from 2 submitters: Uncertain significance (4). Last evaluated 2022-06-04.

Conditions:
Crigler-Najjar syndrome. Identifiers: Orphanet 205, MedGen C5551003, MONDO:0009044.
Lucey-Driscoll syndrome (HBLRTFN). Also called: Transient familial neonatal hyperbilirubinemia. Identifiers: Orphanet 2312, MedGen C0270210, MONDO:0009383, OMIM 237900.
Gilbert syndrome. Also called: HYPERBILIRUBINEMIA, GILBERT TYPE; Gilbert's syndrome; HYPERBILIRUBINEMIA I; HYPERBILIRUBINEMIA, ARIAS TYPE; Gilbert Disease. Identifiers: MedGen C0017551, MONDO:0007745, OMIM 143500.

Allele frequency attached by ClinVar (database versions not stated): TOPMed below 0.00001; gnomAD exomes 0.00001 and 0.00002; ExAC 0.00002.
gnomAD v4.1: 13 of 1,614,204 alleles (0.00081%); highest among the groups gnomAD compares: South Asian, 0.0011%; no homozygotes.

Submissions (4):

Labcorp Genetics (formerly Invitae), Labcorp
Classification: Uncertain significance. Last evaluated: 2022-06-04. Review status: criteria provided, single submitter. Criteria: Invitae Variant Classification Sherloc (09022015). Collection method: clinical testing. Allele origin: germline.
Comment: In summary, the available evidence is currently insufficient to determine the role of this variant in disease. Therefore, it has been classified as a Variant of Uncertain Significance. Algorithms developed to predict the effect of missense changes on protein structure and function are either unavailable or do not agree on the potential impact of this missense change (SIFT: "Not Available"; PolyPhen-2: "Probably Damaging"; Align-GVGD: "Not Available"). ClinVar contains an entry for this variant (Variation ID: 898625). This variant has not been reported in the literature in individuals affected with UGT1A1-related conditions. This variant is present in population databases (rs772037816, gnomAD 0.004%). This sequence change replaces lysine, which is basic and polar, with asparagine, which is neutral and polar, at codon 516 of the UGT1A1 protein (p.Lys516Asn).

Illumina Laboratory Services, Illumina
Classification: Uncertain significance for Crigler-Najjar syndrome. Last evaluated: 2018-01-12. Review status: criteria provided, single submitter. Criteria: ICSL Variant Classification Criteria 13 December 2019. Collection method: clinical testing. Allele origin: germline.

Illumina Laboratory Services, Illumina
Classification: Uncertain significance for Lucey-Driscoll syndrome. Last evaluated: 2018-01-12. Review status: criteria provided, single submitter. Criteria: ICSL Variant Classification Criteria 13 December 2019. Collection method: clinical testing. Allele origin: germline.

Illumina Laboratory Services, Illumina
Classification: Uncertain significance for Gilbert syndrome. Last evaluated: 2018-01-12. Review status: criteria provided, single submitter. Criteria: ICSL Variant Classification Criteria 13 December 2019. Collection method: clinical testing. Allele origin: germline.